The following is an entry in ClinVar:

NM_002838.5(PTPRC):c.3421A>G (p.Ile1141Val)

Gene: PTPRC (protein tyrosine phosphatase receptor type C; plus strand). Cytogenetic location: 1q32.1.
Variant type: single nucleotide variant.
Coding change: c.3421A>G on transcript NM_002838.5 (MANE Select); coding-DNA position 3421, A replaced by G.
Protein change: p.Ile1141Val; replaces isoleucine 1141 with valine.
Molecular consequence: missense variant.
Genome position (GRCh38, 1-based): chr1:198,752,684, A>G. VCF-style: chr1-198752684-A-G. GRCh37 (hg19) VCF-style: chr1-198721813-A-G.
Other names: c.2938A>G, p.Ile980Val (NM_080921.4); short protein forms I1141V, I980V.
Identifiers: ClinVar variation 1449404 (VCV001449404.10), dbSNP rs982132187, ClinGen allele CA35917258.
Genomic context (GRCh38, chr1:198,752,684, plus strand): 5'-CAATATACAAACTGGAGTGTGGAGCAGCTTCCTGCAGAACCCAAGGAATTAATCTCTATG[A>G]TTCAGGTCGTCAAACAAAAACTTCCCCAGAAGAATTCCTCTGAAGGGAACAAGCATCACA-3'
Protein context (NP_002829.3, residues 1131-1151): PAEPKELISM[Ile1141Val]QVVKQKLPQK

ClinVar aggregate classification (germline): Uncertain significance (1 of 4 stars; one submission).

Conditions:
Immunodeficiency 104. Also called: SCID, AUTOSOMAL RECESSIVE, T CELL-NEGATIVE, B CELL-POSITIVE, NK CELL-POSITIVE; Severe Combined Immune Deficiency, Autosomal Recessive, TCell -Negative, B Cell-Positive, NK Cell-Positive, IL7R-Related; IMMUNODEFICIENCY 104, SEVERE COMBINED; Severe combined immunodeficiency, autosomal recessive, T cell-negative, B cell-positive, NK cell-positive. Identifiers: MedGen C5676890, MONDO:0012163, OMIM 608971.

Allele frequency attached by ClinVar (database versions not stated): gnomAD exomes below 0.00001.
gnomAD v4.1: 6 of 1,612,932 alleles (0.00037%); highest among the groups gnomAD compares: Non-Finnish European, 0.00051%; no homozygotes.

Submission:

Labcorp Genetics (formerly Invitae), Labcorp
Classification: Uncertain significance for Immunodeficiency 104. Last evaluated: 2021-02-02. Review status: criteria provided, single submitter. Criteria: Invitae Variant Classification Sherloc (09022015). Collection method: clinical testing. Allele origin: germline.
Comment: In summary, the available evidence is currently insufficient to determine the role of this variant in disease. Therefore, it has been classified as a Variant of Uncertain Significance. Algorithms developed to predict the effect of missense changes on protein structure and function (SIFT, PolyPhen-2, Align-GVGD) all suggest that this variant is likely to be disruptive, but these predictions have not been confirmed by published functional studies and their clinical significance is uncertain. This variant has not been reported in the literature in individuals with PTPRC-related conditions. This variant is not present in population databases (ExAC no frequency). This sequence change replaces isoleucine with valine at codon 1141 of the PTPRC protein (p.Ile1141Val). The isoleucine residue is highly conserved and there is a small physicochemical difference between isoleucine and valine.